The following is an entry in ClinVar:

NM_001367624.2(ZNF469):c.5824G>A (p.Gly1942Arg)

Gene: ZNF469 (zinc finger protein 469; plus strand). Cytogenetic location: 16q24.2.
Variant type: single nucleotide variant.
Coding change: c.5824G>A on transcript NM_001367624.2 (MANE Select); coding-DNA position 5824, G replaced by A.
Protein change: p.Gly1942Arg; replaces glycine 1942 with arginine.
Molecular consequence: missense variant.
Genome position (GRCh38, 1-based): chr16:88,433,294, G>A. VCF-style: chr16-88433294-G-A. GRCh37 (hg19) VCF-style: chr16-88499702-G-A.
Other names: NM_001127464.1:c.5740G>A; p.Gly1942Arg; short protein forms G1942R.
Identifiers: ClinVar variation 506388 (VCV000506388.24), dbSNP rs114755302, ClinGen allele CA8225108.

ClinVar aggregate classification (germline): Benign/Likely benign. Review status: criteria provided, multiple submitters, no conflicts (2 of 4 stars). 8 submissions from 8 submitters: Benign (5); Likely benign (3). Last evaluated 2026-04-08.

Conditions:
Cardiovascular phenotype. Identifiers: MedGen CN230736.
Brittle cornea syndrome 1 (BCS1). Also called: Corneal fragility keratoglobus, blue sclerae AND joint hypermobility; FRAGILITAS OCULI WITH JOINT HYPEREXTENSIBILITY; DYSGENESIS MESODERMALIS CORNEAE ET SCLERAE; CORNEAL FRAGILITY, KERATOGLOBUS, BLUE SCLERAE, JOINT HYPEREXTENSIBILITY; EDS6B. Identifiers: Orphanet 90354, MedGen C0268344, MONDO:0024543, OMIM 229200.

Allele frequency attached by ClinVar (database versions not stated): ExAC 0.00139; 1000 Genomes Project 0.00240; 1000 Genomes Project 30x 0.00297; gnomAD 0.00345 and 0.00371; TOPMed 0.00399.
gnomAD v4.1: 972 of 1,550,382 alleles (0.063%); highest among the groups gnomAD compares: African/African-American, 1.2%; 9 homozygotes.

Submissions (8):

Women's Health and Genetics/Laboratory Corporation of America, LabCorp
Classification: Benign. Last evaluated: 2026-04-08. Review status: criteria provided, single submitter. Criteria: LabCorp Variant Classification Summary - May 2015. Collection method: clinical testing. Allele origin: germline.
Comment: Variant summary: ZNF469 c.5824G>A (p.Gly1942Arg) results in a non-conservative amino acid change in the encoded protein sequence. Algorithms developed to predict the effect of missense changes on protein structure and function are either unavailable or do not agree on the potential impact of this missense change. The variant allele was found at a frequency of 0.00071 in 152350 control chromosomes, predominantly at a frequency of 0.012 within the African or African-American subpopulation in the gnomAD database, including 2 homozygotes. The observed variant frequency within African or African-American control individuals in the gnomAD database exceeds the estimated maximal expected allele frequency for disease-causing variants in ZNF469. To our knowledge, no occurrence of c.5824G>A in individuals affected with ZNF469-related conditions and no experimental evidence demonstrating its impact on protein function have been reported. ClinVar contains an entry for this variant (Variation ID: 506388). Based on the evidence outlined above, the variant was classified as benign.

CeGaT Center for Human Genetics Tuebingen
Classification: Likely benign. Last evaluated: 2026-04-01. Review status: criteria provided, single submitter. Criteria: CeGaT Center For Human Genetics Tuebingen Variant Classification Criteria Version 2. Collection method: clinical testing. Allele origin: germline. Affected: yes. Observed: 2 variant alleles.
Comment: ZNF469: BP4, BS1

Labcorp Genetics (formerly Invitae), Labcorp
Classification: Benign. Last evaluated: 2026-02-02. Review status: criteria provided, single submitter. Criteria: Invitae Variant Classification Sherloc (09022015). Collection method: clinical testing. Allele origin: germline.

Mayo Clinic Laboratories, Mayo Clinic
Classification: Benign. Last evaluated: 2025-06-05. Review status: criteria provided, single submitter. Criteria: ACMG Guidelines, 2015. Collection method: clinical testing. Allele origin: germline. Observed: 2 variant alleles.
Comment: BS1, BS2, BP4_strong

Blueprint Genetics
Classification: Likely benign. Last evaluated: 2024-10-09. Review status: criteria provided, single submitter. Criteria: ACMG Guidelines, 2015. Collection method: clinical testing. Allele origin: germline.

Genome-Nilou Lab
Classification: Benign for Brittle cornea syndrome 1. Last evaluated: 2021-12-05. Review status: criteria provided, single submitter. Criteria: ACMG Guidelines, 2015. Collection method: clinical testing. Allele origin: germline. Affected: no.

Ambry Genetics
Classification: Likely benign for Cardiovascular phenotype. Last evaluated: 2019-07-05. Review status: criteria provided, single submitter. Criteria: Ambry Variant Classification Scheme 2023. Collection method: clinical testing. Allele origin: germline.

GeneDx
Classification: Benign. Last evaluated: 2019-03-08. Review status: criteria provided, single submitter. Criteria: GeneDx Variant Classification Process June 2021. Collection method: clinical testing. Allele origin: germline. Affected: yes.